The following is an entry in ClinVar:

ClinVar aggregate classification (germline): Uncertain significance (1 of 4 stars; one submission).

Conditions:
Immunodeficiency. Identifiers: MedGen C0021051, MONDO:0021094, HP:0002721.

Submission:

Labcorp Genetics (formerly Invitae), Labcorp
Classification: Uncertain significance for Immunodeficiency. Last evaluated: 2024-04-09. Review status: criteria provided, single submitter. Criteria: Invitae Variant Classification Sherloc (09022015). Collection method: clinical testing. Allele origin: germline.
Comment: This sequence change falls in intron 13 of the NFAT5 gene. It does not directly change the encoded amino acid sequence of the NFAT5 protein. It affects a nucleotide within the consensus splice site. This variant is not present in population databases (gnomAD no frequency). This variant has not been reported in the literature in individuals affected with NFAT5-related conditions. Variants that disrupt the consensus splice site are a relatively common cause of aberrant splicing (PMID: 17576681, 9536098). Algorithms developed to predict the effect of sequence changes on RNA splicing suggest that this variant is not likely to affect RNA splicing. In summary, the available evidence is currently insufficient to determine the role of this variant in disease. Therefore, it has been classified as a Variant of Uncertain Significance.

Literature cited by the submitters: PubMed 17576681; PubMed 9536098.

NM_138713.4(NFAT5):c.1923+6C>A

Gene: NFAT5 (nuclear factor of activated T cells 5; plus strand). Cytogenetic location: 16q22.1.
Variant type: single nucleotide variant.
Coding change: c.1923+6C>A on transcript NM_138713.4 (MANE Select); 6 bases into the intron after coding-DNA position 1923, C replaced by A.
Molecular consequence: intron variant.
Genome position (GRCh38, 1-based): chr16:69,691,094, C>A. VCF-style: chr16-69691094-C-A. GRCh37 (hg19) VCF-style: chr16-69724997-C-A.
Other names: c.1641+6C>A (NM_138714.4, NM_173214.3, NM_173215.3); c.1920+6C>A (NM_001113178.3); c.1869+6C>A (NM_006599.4); c.1248+6C>A (NM_001367709.1).
Identifiers: ClinVar variation 3685610 (VCV003685610.2).